The following is an entry in ClinVar:

ClinVar aggregate classification (germline): Conflicting classifications of pathogenicity. Review status: criteria provided, conflicting classifications (1 of 4 stars). 3 submissions from 3 submitters: Uncertain significance (2); Likely benign (1). Last evaluated 2025-11-17.

Allele frequency attached by ClinVar (database versions not stated): ExAC 0.00002; gnomAD 0.00003 and 0.00004; gnomAD exomes 0.00003 and 0.00005; TOPMed 0.00003.
gnomAD v4.1: 84 of 1,613,454 alleles (0.0052%); highest among the groups gnomAD compares: Non-Finnish European, 0.0069%; no homozygotes.

Submissions (3):

Labcorp Genetics (formerly Invitae), Labcorp
Classification: Uncertain significance. Last evaluated: 2025-11-17. Review status: criteria provided, single submitter. Criteria: Invitae Variant Classification Sherloc (09022015). Collection method: clinical testing. Allele origin: germline.
Comment: This sequence change replaces arginine, which is basic and polar, with glutamine, which is neutral and polar, at codon 521 of the SEMA4A protein (p.Arg521Gln). This variant is present in population databases (rs148674059, gnomAD 0.006%). This variant has not been reported in the literature in individuals affected with SEMA4A-related conditions. ClinVar contains an entry for this variant (Variation ID: 1420655). Invitae Evidence Modeling of protein sequence and biophysical properties (such as structural, functional, and spatial information, amino acid conservation, physicochemical variation, residue mobility, and thermodynamic stability) indicates that this missense variant is not expected to disrupt SEMA4A protein function with a negative predictive value of 80%. In summary, the available evidence is currently insufficient to determine the role of this variant in disease. Therefore, it has been classified as a Variant of Uncertain Significance.

Ambry Genetics
Classification: Likely benign. Last evaluated: 2024-12-25. Review status: criteria provided, single submitter. Criteria: Ambry Variant Classification Scheme 2023. Collection method: clinical testing. Allele origin: germline.

Blueprint Genetics
Classification: Uncertain significance. Last evaluated: 2024-09-17. Review status: criteria provided, single submitter. Criteria: ACMG Guidelines, 2015. Collection method: clinical testing. Allele origin: germline.

NM_022367.4(SEMA4A):c.1562G>A (p.Arg521Gln)

Gene: SEMA4A (semaphorin 4A; plus strand). Cytogenetic location: 1q22.
Variant type: single nucleotide variant.
Coding change: c.1562G>A on transcript NM_022367.4 (MANE Select); coding-DNA position 1562, G replaced by A.
Protein change: p.Arg521Gln; replaces arginine 521 with glutamine.
Molecular consequence: missense variant.
Genome position (GRCh38, 1-based): chr1:156,175,213, G>A. VCF-style: chr1-156175213-G-A. GRCh37 (hg19) VCF-style: chr1-156145004-G-A.
Other names: c.1562G>A, p.Arg521Gln (NM_001193300.2, NM_001193301.2, NM_001370567.1); c.1166G>A, p.Arg389Gln (NM_001193302.2); c.1265G>A, p.Arg422Gln (NM_001370568.1); c.1055G>A, p.Arg352Gln (NM_001370569.1, NM_001370571.1); short protein forms R521Q, R389Q, R352Q, R422Q.
Identifiers: ClinVar variation 1420655 (VCV001420655.8), dbSNP rs148674059, ClinGen allele CA1155393.